The following is an entry in ClinVar:

NM_006904.7(PRKDC):c.1987A>G (p.Ile663Val)

Gene: PRKDC (protein kinase, DNA-activated, catalytic subunit; minus strand). Cytogenetic location: 8q11.21.
Variant type: single nucleotide variant.
Coding change: c.1987A>G on transcript NM_006904.7 (MANE Select); coding-DNA position 1987, A replaced by G.
Protein change: p.Ile663Val; replaces isoleucine 663 with valine.
Molecular consequence: missense variant.
Genome position (GRCh38, 1-based): chr8:47,929,918, T>C on the plus strand (A>G on the coding strand, the complement: PRKDC is on the minus strand). VCF-style: chr8-47929918-T-C. GRCh37 (hg19) VCF-style: chr8-48842478-T-C.
Other names: c.1987A>G, p.Ile663Val (NM_001081640.2); short protein forms I663V.
Identifiers: ClinVar variation 3310089 (VCV003310089.1).

ClinVar aggregate classification (germline): Uncertain significance (1 of 4 stars; one submission).

gnomAD v4.1: 1 of 1,608,914 alleles (0.000062%); highest among the groups gnomAD compares: Non-Finnish European, 0.000085%; no homozygotes.

Submission:

Ambry Genetics
Classification: Uncertain significance. Last evaluated: 2024-03-23. Review status: criteria provided, single submitter. Criteria: Ambry Variant Classification Scheme 2023. Collection method: clinical testing. Allele origin: germline.
Comment: The p.I663V variant (also known as c.1987A>G), located in coding exon 18 of the PRKDC gene, results from an A to G substitution at nucleotide position 1987. The isoleucine at codon 663 is replaced by valine, an amino acid with highly similar properties. This amino acid position is conserved. In addition, this alteration is predicted to be tolerated by in silico analysis. Based on the available evidence, the clinical significance of this alteration remains unclear.